The following is an entry in ClinVar:

ClinVar aggregate classification (germline): Uncertain significance (1 of 4 stars; one submission).

Conditions:
Inborn genetic diseases. Identifiers: MedGen C0950123, MeSH D030342.

gnomAD v4.1: 3 of 1,613,982 alleles (0.00019%); highest among the groups gnomAD compares: African/African-American, 0.004%; no homozygotes.

Submission:

Ambry Genetics
Classification: Uncertain significance for Inborn genetic diseases. Last evaluated: 2026-08-18. Review status: criteria provided, single submitter. Criteria: Ambry Variant Classification Scheme 2023. Collection method: clinical testing. Allele origin: germline.
Comment: The c.386C>T (p.T129I) alteration is located in exon 4 (coding exon 2) of the QRICH1 gene. This alteration results from a C to T substitution at nucleotide position 386, causing the threonine (T) at amino acid position 129 to be replaced by an isoleucine (I). Based on data from gnomAD, the T allele has an overall frequency of <0.001% (1/251414) total alleles studied. The highest observed frequency was 0.006% (1/16256) of African alleles. Based on insufficient or conflicting evidence, the clinical significance of this alteration remains unclear.

NM_198880.3(QRICH1):c.386C>T (p.Thr129Ile)

Gene: QRICH1 (glutamine rich 1; minus strand). Cytogenetic location: 3p21.31.
Variant type: single nucleotide variant.
Coding change: c.386C>T on transcript NM_198880.3 (MANE Select); coding-DNA position 386, C replaced by T.
Protein change: p.Thr129Ile; replaces threonine 129 with isoleucine.
Molecular consequence: missense variant.
Genome position (GRCh38, 1-based): chr3:49,057,814, G>A on the plus strand (C>T on the coding strand, the complement: QRICH1 is on the minus strand). VCF-style: chr3-49057814-G-A. GRCh37 (hg19) VCF-style: chr3-49095247-G-A.
Other names: c.386C>T, p.Thr129Ile (NM_001320584.1, NM_001320585.1, NM_017730.4 and 4 more transcripts); short protein forms T129I.
Identifiers: ClinVar variation 5027674 (VCV005027674.1).